The following is an entry in ClinVar:

NM_133379.5(TTN):c.15782T>C (p.Ile5261Thr)

Gene: TTN (titin; minus strand). Cytogenetic location: 2q31.2.
Variant type: single nucleotide variant.
Coding change: c.15782T>C on transcript NM_133379.5; coding-DNA position 15782, T replaced by C.
Protein change: p.Ile5261Thr; replaces isoleucine 5261 with threonine.
Molecular consequence: missense variant. On other transcripts: intron variant (6).
Genome position (GRCh38, 1-based): chr2:178,746,618, A>G on the plus strand (T>C on the coding strand, the complement: TTN is on the minus strand). VCF-style: chr2-178746618-A-G. GRCh37 (hg19) VCF-style: chr2-179611345-A-G.
Other names: c.10223-4697T>C (NM_003319.4); c.10799-4697T>C (NM_133437.4); c.10598-4697T>C (NM_133432.3); c.10360+6506T>C (NM_133378.4); c.10361-4697T>C (NM_001256850.1); c.11312-4697T>C (NM_001267550.2); short protein forms I5261T.
Identifiers: ClinVar variation 47788 (VCV000047788.10), dbSNP rs375197115, ClinGen allele CA141895.

ClinVar aggregate classification (germline): Uncertain significance. Review status: criteria provided, multiple submitters, no conflicts (2 of 4 stars). 3 submissions from 3 submitters: Uncertain significance (3). Last evaluated 2023-06-02.

Conditions:
Dilated cardiomyopathy 1G (CMD1G). Identifiers: Orphanet 154, MedGen C1858763, MONDO:0011400, OMIM 604145.
Autosomal recessive limb-girdle muscular dystrophy type 2J (LGMDR10). Also called: Limb-girdle muscular dystrophy, type 2J; MUSCULAR DYSTROPHY, LIMB-GIRDLE, AUTOSOMAL RECESSIVE 10. Identifiers: Orphanet 140922, MedGen C1837342, MONDO:0012127, OMIM 608807.
Early-onset myopathy with fatal cardiomyopathy (CMYO5). Also called: CONGENITAL MYOPATHY 5 WITH CARDIOMYOPATHY; Salih Myopathy. Identifiers: Orphanet 289377, MedGen C2673677, MONDO:0012714, OMIM 611705. Disease mechanism: loss of function.
Tibial muscular dystrophy (TMD). Also called: Tibial muscular dystrophy, tardive; Udd Distal Myopathy – Tibial Muscular Dystrophy; UDD MYOPATHY. Identifiers: Orphanet 609, MedGen C1838244, MONDO:0010870, OMIM 600334.
Myopathy, myofibrillar, 9, with early respiratory failure (MFM9). Also called: Myopathy, distal, with early respiratory failure, autosomal dominant; EDSTROM MYOPATHY; MYOPATHY, PROXIMAL, WITH EARLY RESPIRATORY MUSCLE INVOLVEMENT; Hereditary myopathy with early respiratory failure. Identifiers: Orphanet 178464, Orphanet 34521, MedGen C1863599, MONDO:0011362, OMIM 603689.
Hypertrophic cardiomyopathy 9. Also called: Familial hypertrophic cardiomyopathy 9. Identifiers: MedGen C1861065, MONDO:0013412, OMIM 613765.

Allele frequency attached by ClinVar (database versions not stated): gnomAD exomes 0.00004 and 0.00002; TOPMed 0.00006; ESP Exome Variant Server 0.00008; gnomAD 0.00004; 1000 Genomes Project 0.00020; ExAC 0.00007; 1000 Genomes Project 30x 0.00016.

Submissions (3):

Department of Pathology and Laboratory Medicine, Sinai Health System
Classification: Uncertain significance for Tibial muscular dystrophy; Myopathy, myofibrillar, 9, with early respiratory failure; Dilated cardiomyopathy 1G; Autosomal recessive limb-girdle muscular dystrophy type 2J; Early-onset myopathy with fatal cardiomyopathy; Hypertrophic cardiomyopathy 9. Last evaluated: 2023-06-02. Review status: criteria provided, single submitter. Criteria: ACMG Guidelines, 2015. Collection method: research. Allele origin: germline.

Eurofins Ntd Llc (ga)
Classification: Uncertain significance. Last evaluated: 2017-09-01. Review status: criteria provided, single submitter. Criteria: EGL Classification Definitions 2015. Collection method: clinical testing. Allele origin: germline. Observed: 1 variant allele, 1 heterozygote.

Laboratory for Molecular Medicine, Mass General Brigham Personalized Medicine
Classification: Uncertain significance. Last evaluated: 2012-07-24. Review status: criteria provided, single submitter. Criteria: LMM Criteria. Collection method: clinical testing. Allele origin: germline. Observed: 1 variant allele.
Comment: The Ile5261Thr variant in TTN has been identified in 1/8600 European American ch romosomes from a broad population by the NHLBI Exome Sequencing Project. This could represent a presymptomatic individual. C omputational analyses (biochemical amino acid properties, conservation and PolyP hen2) do not provide strong support for or against an impact to the protein. Add itional information is needed to fully assess the clinical significance of the I le5261Thr variant.